The following is an entry in ClinVar:

NM_020632.3(ATP6V0A4):c.2306C>T (p.Thr769Met)

Gene: ATP6V0A4 (ATPase H+ transporting V0 subunit a4; minus strand). Cytogenetic location: 7q34.
Variant type: single nucleotide variant.
Coding change: c.2306C>T on transcript NM_020632.3 (MANE Select); coding-DNA position 2306, C replaced by T.
Protein change: p.Thr769Met; replaces threonine 769 with methionine.
Molecular consequence: missense variant.
Genome position (GRCh38, 1-based): chr7:138,709,747, G>A on the plus strand (C>T on the coding strand, the complement: ATP6V0A4 is on the minus strand). VCF-style: chr7-138709747-G-A. GRCh37 (hg19) VCF-style: chr7-138394492-G-A.
Other names: p.Thr769Met; c.2306C>T, p.Thr769Met (NM_130840.3, NM_130841.3); short protein forms T769M.
Identifiers: ClinVar variation 359007 (VCV000359007.16), dbSNP rs61747678, ClinGen allele CA4504455.

ClinVar aggregate classification (germline): Benign. Review status: criteria provided, multiple submitters, no conflicts (2 of 4 stars). 5 submissions from 5 submitters: Benign (5). Last evaluated 2026-01-27.

Conditions:
Autosomal recessive distal renal tubular acidosis. Identifiers: Orphanet 402041, MedGen C1864498, MONDO:0018440.

Allele frequency attached by ClinVar (database versions not stated): gnomAD exomes 0.00136 and 0.00376; ExAC 0.00479; 1000 Genomes Project 0.01178; 1000 Genomes Project 30x 0.01359; gnomAD 0.01532 and 0.01647; TOPMed 0.01628; ESP Exome Variant Server 0.01722.
gnomAD v4.1: 4,394 of 1,614,024 alleles (0.27%); highest among the groups gnomAD compares: African/African-American, 5.2%; 114 homozygotes.

Submissions (5):

Labcorp Genetics (formerly Invitae), Labcorp
Classification: Benign. Last evaluated: 2026-01-27. Review status: criteria provided, single submitter. Criteria: Invitae Variant Classification Sherloc (09022015). Collection method: clinical testing. Allele origin: germline.

Mayo Clinic Laboratories, Mayo Clinic
Classification: Benign. Last evaluated: 2023-04-10. Review status: criteria provided, single submitter. Criteria: ACMG Guidelines, 2015. Collection method: clinical testing. Allele origin: germline. Observed: 2 variant alleles.

GeneDx
Classification: Benign. Last evaluated: 2020-02-03. Review status: criteria provided, single submitter. Criteria: GeneDx Variant Classification Process June 2021. Collection method: clinical testing. Allele origin: germline. Affected: yes.

Illumina Laboratory Services, Illumina
Classification: Benign for Renal tubular acidosis, distal, 3, with or without sensorineural hearing loss. Last evaluated: 2018-01-12. Review status: criteria provided, single submitter. Criteria: ICSL Variant Classification Criteria 13 December 2019. Collection method: clinical testing. Allele origin: germline.
Comment: This variant was observed in the ICSL laboratory as part of a predisposition screen in an ostensibly healthy population. It had not been previously curated by ICSL or reported in the Human Gene Mutation Database (HGMD: prior to June 1st, 2018), and was therefore a candidate for classification through an automated scoring system. Utilizing variant allele frequency, disease prevalence and penetrance estimates, and inheritance mode, an automated score was calculated to assess if this variant is too frequent to cause the disease. Based on the score and internal cut-off values, a variant classified as benign is not then subjected to further curation. The score for this variant resulted in a classification of benign for this disease.

Breakthrough Genomics
Classification: Benign. Review status: criteria provided, single submitter. Criteria: ACMG Guidelines, 2015. Collection method: not provided. Allele origin: germline. Inheritance: Autosomal recessive inheritance. Affected: yes.